The following is an entry in ClinVar:

ClinVar aggregate classification (germline): Likely benign (1 of 4 stars; one submission).

Allele frequency attached by ClinVar (database versions not stated): gnomAD 0.00003; TOPMed 0.00006; ExAC 0.00010; gnomAD exomes 0.00013.
gnomAD v4.1: 203 of 1,613,222 alleles (0.013%); highest among the groups gnomAD compares: Non-Finnish European, 0.015%; no homozygotes.

Submission:

CeGaT Center for Human Genetics Tuebingen
Classification: Likely benign. Last evaluated: 2022-05-01. Review status: criteria provided, single submitter. Criteria: CeGaT Center For Human Genetics Tuebingen Variant Classification Criteria Version 2. Collection method: clinical testing. Allele origin: germline. Affected: yes. Observed: 1 variant allele.
Comment: MED27: BP4, BP7

NM_004269.4(MED27):c.150G>A (p.Lys50=)

Gene: MED27 (mediator complex subunit 27; minus strand). Cytogenetic location: 9q34.13.
Variant type: single nucleotide variant.
Coding change: c.150G>A on transcript NM_004269.4 (MANE Select); coding-DNA position 150, G replaced by A.
Protein change: p.Lys50=; no amino-acid change (lysine 50 retained).
Molecular consequence: synonymous variant.
Genome position (GRCh38, 1-based): chr9:132,079,695, C>T on the plus strand (G>A on the coding strand, the complement: MED27 is on the minus strand). VCF-style: chr9-132079695-C-T. GRCh37 (hg19) VCF-style: chr9-134955082-C-T.
Other names: c.150G>A, p.Lys50= (NM_001253881.2, NM_001253882.2).
Identifiers: ClinVar variation 2659639 (VCV002659639.24), dbSNP rs1019231604, ClinGen allele CA5295779.